The following is an entry in ClinVar:

ClinVar aggregate classification (germline): Uncertain significance (1 of 4 stars; one submission).

Conditions:
Familial sleep-related hypermotor epilepsy. Also called: Autosomal Dominant Sleep-Related Hypermotor (Hyperkinetic) Epilepsy. Identifiers: Orphanet 98784, MedGen C3696898, MONDO:0000030.

gnomAD v4.1: 8 of 1,611,366 alleles (0.0005%); highest among the groups gnomAD compares: South Asian, 0.0033%; no homozygotes.

Submission:

Labcorp Genetics (formerly Invitae), Labcorp
Classification: Uncertain significance. Last evaluated: 2025-10-20. Review status: criteria provided, single submitter. Criteria: Invitae Variant Classification Sherloc (09022015). Collection method: clinical testing. Allele origin: germline.
Comment: This sequence change replaces arginine, which is basic and polar, with glutamine, which is neutral and polar, at codon 33 of the CHRNA4 protein (p.Arg33Gln). This variant is present in population databases (rs201575409, gnomAD 0.007%). This variant has not been reported in the literature in individuals affected with CHRNA4-related conditions. Invitae Evidence Modeling of protein sequence and biophysical properties (such as structural, functional, and spatial information, amino acid conservation, physicochemical variation, residue mobility, and thermodynamic stability) indicates that this missense variant is not expected to disrupt CHRNA4 protein function with a negative predictive value of 80%. In summary, the available evidence is currently insufficient to determine the role of this variant in disease. Therefore, it has been classified as a Variant of Uncertain Significance.

NM_000744.7(CHRNA4):c.98G>A (p.Arg33Gln)

Gene: CHRNA4 (cholinergic receptor nicotinic alpha 4 subunit; minus strand). Cytogenetic location: 20q13.33.
Variant type: single nucleotide variant.
Coding change: c.98G>A on transcript NM_000744.7 (MANE Select); coding-DNA position 98, G replaced by A.
Protein change: p.Arg33Gln; replaces arginine 33 with glutamine.
Molecular consequence: missense variant. On other transcripts: 5 prime UTR variant (1), non-coding transcript variant (1).
Genome position (GRCh38, 1-based): chr20:63,359,678, C>T on the plus strand (G>A on the coding strand, the complement: CHRNA4 is on the minus strand). VCF-style: chr20-63359678-C-T. GRCh37 (hg19) VCF-style: chr20-61991030-C-T.
Other names: c.-449G>A (NM_001256573.2); short protein forms R33Q.
Identifiers: ClinVar variation 4767860 (VCV004767860.1).